The following is an entry in ClinVar:

ClinVar aggregate classification (germline): Likely benign. Review status: criteria provided, single submitter (1 of 4 stars). 2 submissions from 2 submitters: Likely benign (1). 1 of the submissions does not count toward it. Last evaluated 2025-08-20.

Conditions:
TNFSF11-related disorder. Also called: TNFSF11-related condition.

Allele frequency attached by ClinVar (database versions not stated): gnomAD 0.00011 and 0.00012; TOPMed 0.00012; 1000 Genomes Project 30x 0.00047.
gnomAD v4.1: 31 of 1,609,314 alleles (0.0019%); highest among the groups gnomAD compares: African/African-American, 0.032%; no homozygotes.

Submissions (2):

Labcorp Genetics (formerly Invitae), Labcorp
Classification: Likely benign. Last evaluated: 2025-08-20. Review status: criteria provided, single submitter. Criteria: Invitae Variant Classification Sherloc (09022015). Collection method: clinical testing. Allele origin: germline.

PreventionGenetics, part of Exact Sciences
Classification: Likely benign for TNFSF11-related condition. Last evaluated: 2023-05-30. Review status: no assertion criteria provided. Collection method: clinical testing. Allele origin: germline. Not counted in ClinVar's aggregate classification.
Comment: This variant is classified as likely benign based on ACMG/AMP sequence variant interpretation guidelines (Richards et al. 2015 PMID: 25741868, with internal and published modifications).

NM_003701.4(TNFSF11):c.183C>A (p.Val61=)

Gene: TNFSF11 (TNF superfamily member 11; plus strand). Cytogenetic location: 13q14.11.
Variant type: single nucleotide variant.
Coding change: c.183C>A on transcript NM_003701.4 (MANE Select); coding-DNA position 183, C replaced by A.
Protein change: p.Val61=; no amino-acid change (valine 61 retained).
Molecular consequence: synonymous variant. On other transcripts: intron variant (1).
Genome position (GRCh38, 1-based): chr13:42,574,486, C>A. VCF-style: chr13-42574486-C-A. GRCh37 (hg19) VCF-style: chr13-43148622-C-A.
Other names: c.-1+2748C>A (NM_033012.4).
Identifiers: ClinVar variation 751927 (VCV000751927.11), dbSNP rs768343989, ClinGen allele CA6967141.